The following is an entry in ClinVar:

NM_006790.3(MYOT):c.560G>A (p.Arg187His)

Genes: PKD2L2-DT (PKD2L2 divergent transcript; minus strand), MYOT (myotilin; plus strand). Cytogenetic location: 5q31.2.
Variant type: single nucleotide variant.
Coding change: c.560G>A on transcript NM_006790.3 (MANE Select); coding-DNA position 560, G replaced by A.
Protein change: p.Arg187His; replaces arginine 187 with histidine.
Molecular consequence: missense variant.
Genome position (GRCh38, 1-based): chr5:137,877,548, G>A. VCF-style: chr5-137877548-G-A. GRCh37 (hg19) VCF-style: chr5-137213237-G-A.
Other names: c.8G>A, p.Arg3His (NM_001135940.2); c.215G>A, p.Arg72His (NM_001300911.2); short protein forms R3H, R187H, R72H.
Identifiers: ClinVar variation 961301 (VCV000961301.11), dbSNP rs200273223, ClinGen allele CA3422951.

ClinVar aggregate classification (germline): Uncertain significance. Review status: criteria provided, multiple submitters, no conflicts (2 of 4 stars). 2 submissions from 2 submitters: Uncertain significance (2). Last evaluated 2025-11-20.

Conditions:
Inborn genetic diseases. Identifiers: MedGen C0950123, MeSH D030342.
Myofibrillar myopathy 3 (MFM3). Also called: Muscular dystrophy, proximal, type 1A; Autosomal dominant spheroid body myopathy. Identifiers: Orphanet 266, Orphanet 268129, MedGen C3714934, MONDO:0012215, OMIM 609200.

Allele frequency attached by ClinVar (database versions not stated): gnomAD 0.00001 and 0.00002; gnomAD exomes 0.00001; ExAC 0.00002; TOPMed 0.00003; 1000 Genomes Project 30x 0.00016; 1000 Genomes Project 0.00020.
gnomAD v4.1: 20 of 1,613,518 alleles (0.0012%); highest among the groups gnomAD compares: African/African-American, 0.0067%; no homozygotes.

Submissions (2):

Ambry Genetics
Classification: Uncertain significance for Inborn genetic diseases. Last evaluated: 2025-11-20. Review status: criteria provided, single submitter. Criteria: Ambry Variant Classification Scheme 2023. Collection method: clinical testing. Allele origin: germline.

Labcorp Genetics (formerly Invitae), Labcorp
Classification: Uncertain significance for Myofibrillar myopathy 3. Last evaluated: 2019-10-15. Review status: criteria provided, single submitter. Criteria: Invitae Variant Classification Sherloc (09022015). Collection method: clinical testing. Allele origin: germline.
Comment: In summary, the available evidence is currently insufficient to determine the role of this variant in disease. Therefore, it has been classified as a Variant of Uncertain Significance. This sequence change replaces arginine with histidine at codon 187 of the MYOT protein (p.Arg187His). The arginine residue is highly conserved and there is a small physicochemical difference between arginine and histidine. This variant is present in population databases (rs200273223, ExAC 0.01%). This variant has not been reported in the literature in individuals with MYOT-related conditions. Algorithms developed to predict the effect of missense changes on protein structure and function are either unavailable or do not agree on the potential impact of this missense change (SIFT: "Deleterious"; PolyPhen-2: "Probably Damaging"; Align-GVGD: "Class C0").